The following is an entry in ClinVar:

ClinVar aggregate classification (germline): Uncertain significance (1 of 4 stars; one submission).

Conditions:
Inborn genetic diseases. Identifiers: MedGen C0950123, MeSH D030342.

Submission:

Ambry Genetics
Classification: Uncertain significance for Inborn genetic diseases. Last evaluated: 2025-04-01. Review status: criteria provided, single submitter. Criteria: Ambry Variant Classification Scheme 2023. Collection method: clinical testing. Allele origin: germline.
Comment: The p.D668A variant (also known as c.2003A>C), located in coding exon 1 of the SAMD9L gene, results from an A to C substitution at nucleotide position 2003. The aspartic acid at codon 668 is replaced by alanine, an amino acid with dissimilar properties. This amino acid position is conserved. In addition, this alteration is predicted to be tolerated by in silico analysis. Based on the available evidence, the clinical significance of this variant remains unclear.

NM_152703.5(SAMD9L):c.2003A>C (p.Asp668Ala)

Gene: SAMD9L (sterile alpha motif domain containing 9 like; minus strand). Cytogenetic location: 7q21.2.
Variant type: single nucleotide variant.
Coding change: c.2003A>C on transcript NM_152703.5 (MANE Select); coding-DNA position 2003, A replaced by C.
Protein change: p.Asp668Ala; replaces aspartic acid 668 with alanine.
Molecular consequence: missense variant.
Genome position (GRCh38, 1-based): chr7:93,133,969, T>G on the plus strand (A>C on the coding strand, the complement: SAMD9L is on the minus strand). VCF-style: chr7-93133969-T-G. GRCh37 (hg19) VCF-style: chr7-92763282-T-G.
Other names: c.2003A>C, p.Asp668Ala (NM_001303496.3, NM_001303497.3, NM_001303498.3 and 5 more transcripts); short protein forms D668A.
Identifiers: ClinVar variation 3949795 (VCV003949795.1).